The following is an entry in ClinVar:

ClinVar aggregate classification (germline): Uncertain significance. Review status: criteria provided, multiple submitters, no conflicts (2 of 4 stars). 4 submissions from 4 submitters: Uncertain significance (4). Last evaluated 2026-05-01.

Conditions:
Inborn genetic diseases. Identifiers: MedGen C0950123, MeSH D030342.
SYNJ1-related disorder. Also called: SYNJ1-related condition.
Developmental and epileptic encephalopathy, 53. Also called: Epileptic encephalopathy, early infantile, 53. Identifiers: MedGen C4479313, MONDO:0033362, OMIM 617389.
Early-onset Parkinson disease 20. Also called: PARKINSON DISEASE 20, AUTOSOMAL RECESSIVE EARLY-ONSET. Identifiers: Orphanet 391411, MedGen C3809824, MONDO:0014233, OMIM 615530.

Allele frequency attached by ClinVar (database versions not stated): gnomAD exomes 0.00001 and 0.00003; gnomAD 0.00002; TOPMed 0.00004.
gnomAD v4.1: 15 of 1,614,110 alleles (0.00093%); highest among the groups gnomAD compares: Admixed American, 0.012%; no homozygotes.

Submissions (4):

GeneDx
Classification: Uncertain significance. Last evaluated: 2026-05-01. Review status: criteria provided, single submitter. Criteria: GeneDx Variant Classification Process June 2021. Collection method: clinical testing. Allele origin: germline.
Comment: In silico analysis suggests that this missense variant does not alter protein structure/function; Has not been previously published as pathogenic or benign in association with a SYNJ1-related disorder to our knowledge; This variant is associated with the following publications: (PMID: 28421333)

PreventionGenetics, part of Exact Sciences
Classification: Uncertain significance for SYNJ1-related condition. Last evaluated: 2023-04-11. Review status: criteria provided, single submitter. Criteria: ACMG Guidelines, 2015. Collection method: clinical testing. Allele origin: germline.
Comment: The SYNJ1 c.4139C>T variant is predicted to result in the amino acid substitution p.Ser1380Phe. This variant has been reported in two individuals with schizophrenia (referred to as p.Ser1341Phe in Rodríguez-López et al. 2017. PubMed ID: 28421333). This variant is reported in 0.017% of alleles in individuals of Latino descent in gnomAD. At this time, the clinical significance of this variant is uncertain due to the absence of conclusive functional and genetic evidence.

Labcorp Genetics (formerly Invitae), Labcorp
Classification: Uncertain significance for Developmental and epileptic encephalopathy, 53; Early-onset Parkinson disease 20. Last evaluated: 2022-09-01. Review status: criteria provided, single submitter. Criteria: Invitae Variant Classification Sherloc (09022015). Collection method: clinical testing. Allele origin: germline.
Comment: This sequence change replaces serine, which is neutral and polar, with phenylalanine, which is neutral and non-polar, at codon 1380 of the SYNJ1 protein (p.Ser1380Phe). This variant is present in population databases (no rsID available, gnomAD 0.02%). This variant has not been reported in the literature in individuals affected with SYNJ1-related conditions. ClinVar contains an entry for this variant (Variation ID: 1022955). Algorithms developed to predict the effect of missense changes on protein structure and function are either unavailable or do not agree on the potential impact of this missense change (SIFT: "Deleterious"; PolyPhen-2: "Possibly Damaging"; Align-GVGD: "Class C0"). In summary, the available evidence is currently insufficient to determine the role of this variant in disease. Therefore, it has been classified as a Variant of Uncertain Significance.

Ambry Genetics
Classification: Uncertain significance for Inborn genetic diseases. Last evaluated: 2021-11-09. Review status: criteria provided, single submitter. Criteria: Ambry Variant Classification Scheme 2023. Collection method: clinical testing. Allele origin: germline.

Literature cited by the submitters: PubMed 28421333 (cited by Ambry Genetics).

NM_203446.3(SYNJ1):c.*110C>T

Gene: SYNJ1 (synaptojanin 1; minus strand). Cytogenetic location: 21q22.11.
Variant type: single nucleotide variant.
Coding change: c.*110C>T on transcript NM_203446.3 (MANE Select); 110 bases downstream of the stop codon, C replaced by T.
Molecular consequence: 3 prime UTR variant. On other transcripts: missense variant (2).
Genome position (GRCh38, 1-based): chr21:32,631,695, G>A on the plus strand (C>T on the coding strand, the complement: SYNJ1 is on the minus strand). VCF-style: chr21-32631695-G-A. GRCh37 (hg19) VCF-style: chr21-34004005-G-A.
Other names: c.*110C>T (NM_001160302.2); c.3881C>T, p.Ser1294Phe (NM_001160306.2); c.4139C>T, p.Ser1380Phe (NM_003895.4); short protein forms S1294F, S1380F.
Identifiers: ClinVar variation 1022955 (VCV001022955.8), dbSNP rs959757570, ClinGen allele CA319450332.
Genomic context (GRCh38, chr21:32,631,695, plus strand): 5'-GCAGAAGGCAACTGAATCAACCTCTTTGGGTCTGGGGTGGGAACAGGTGACGTTTGAACA[G>A]ATAGCTGAGCCTTTGATACAGCAAGCAGATTAAATGACAGATCTTCAAATGGGTCAATCT-3'